The following is an entry in ClinVar:

ClinVar aggregate classification (germline): Likely benign. Review status: criteria provided, multiple submitters, no conflicts (2 of 4 stars). 3 submissions from 3 submitters: Likely benign (3). Last evaluated 2025-10-27.

Conditions:
Lynch syndrome 4 (LYNCH4). Also called: Colorectal cancer, hereditary nonpolyposis, type 4; Hereditary non-polyposis colorectal cancer, type 4. Identifiers: Orphanet 144, MedGen C1838333, MONDO:0013699, OMIM 614337. Disease mechanism: loss of function.
Hereditary cancer-predisposing syndrome. Also called: Hereditary Cancer Syndrome; Neoplastic Syndromes, Hereditary; Hereditary neoplastic syndrome; Tumor predisposition. Identifiers: Orphanet 140162, MedGen C0027672, MeSH D009386, MONDO:0015356.
Hereditary nonpolyposis colorectal neoplasms. Identifiers: MedGen C0009405, MeSH D003123.

Allele frequency attached by ClinVar (database versions not stated): gnomAD exomes 0.00001.
gnomAD v4.1: 9 of 1,611,586 alleles (0.00056%); highest among the groups gnomAD compares: East Asian, 0.02%; no homozygotes.

Submissions (3):

Labcorp Genetics (formerly Invitae), Labcorp
Classification: Likely benign for Hereditary nonpolyposis colorectal neoplasms. Last evaluated: 2025-10-27. Review status: criteria provided, single submitter. Criteria: Invitae Variant Classification Sherloc (09022015). Collection method: clinical testing. Allele origin: germline.

Myriad Genetics, Inc.
Classification: Likely benign for Lynch syndrome 4. Last evaluated: 2025-01-27. Review status: criteria provided, single submitter. Criteria: Myriad Autosomal Dominant, Autosomal Recessive and X-Linked Classification Criteria (2023). Collection method: clinical testing. Allele origin: unknown.
Comment: This variant is considered likely benign. This variant is intronic and is not expected to impact mRNA splicing.

Color Diagnostics, LLC DBA Color Health
Classification: Likely benign for Hereditary cancer-predisposing syndrome. Last evaluated: 2022-11-21. Review status: criteria provided, single submitter. Criteria: ACMG Guidelines, 2015. Collection method: clinical testing. Allele origin: germline.

NM_000535.7(PMS2):c.538-6A>G

Gene: PMS2 (PMS1 homolog 2, mismatch repair system component; minus strand). Cytogenetic location: 7p22.1.
Variant type: single nucleotide variant.
Coding change: c.538-6A>G on transcript NM_000535.7 (MANE Select); 6 bases into the intron before coding-DNA position 538, A replaced by G.
Molecular consequence: intron variant.
Genome position (GRCh38, 1-based): chr7:5,999,281, T>C on the plus strand (A>G on the coding strand, the complement: PMS2 is on the minus strand). VCF-style: chr7-5999281-T-C. GRCh37 (hg19) VCF-style: chr7-6038912-T-C.
Other names: c.220-6A>G (NM_001322008.2, NM_001322007.2); c.133-6A>G (NM_001322010.2, NM_001322004.2, NM_001322003.2 and 2 more transcripts); c.133-1858A>G (NM_001322013.2); c.-347-55A>G (NM_001322012.2, NM_001322011.2); c.229-6A>G (NM_001322015.2); c.538-6A>G (NM_001322006.2, NM_001322014.2).
Identifiers: ClinVar variation 1142721 (VCV001142721.12), dbSNP rs1784835616, ClinGen allele CA1685257426.